The following is an entry in ClinVar:

ClinVar aggregate classification (germline): Uncertain significance (1 of 4 stars; one submission).

gnomAD v4.1: 4 of 1,613,272 alleles (0.00025%); highest among the groups gnomAD compares: South Asian, 0.0044%; no homozygotes.

Submission:

Laboratory for Molecular Medicine, Mass General Brigham Personalized Medicine
Classification: Uncertain significance. Last evaluated: 2014-04-10. Review status: criteria provided, single submitter. Criteria: LMM Criteria. Collection method: clinical testing. Allele origin: germline. Observed: 1 variant allele.
Comment: The Ser22118Cys variant in TTN has not been previously reported in individuals w ith cardiomyopathy or in large population studies. Computational prediction tool s and conservation analysis do not provide strong support for or against an impa ct to the protein. In summary, the clinical significance of the Ser22118Cys vari ant is uncertain.

NM_001267550.2(TTN):c.74057C>G (p.Ser24686Cys)

Genes: TTN (titin; minus strand), TTN-AS1 (TTN antisense RNA 1; plus strand). Cytogenetic location: 2q31.2.
Variant type: single nucleotide variant.
Coding change: c.74057C>G on transcript NM_001267550.2 (MANE Select); coding-DNA position 74057, C replaced by G.
Protein change: p.Ser24686Cys; replaces serine 24686 with cysteine.
Molecular consequence: missense variant.
Genome position (GRCh38, 1-based): chr2:178,572,075, G>C on the plus strand (C>G on the coding strand, the complement: TTN is on the minus strand). VCF-style: chr2-178572075-G-C. GRCh37 (hg19) VCF-style: chr2-179436802-G-C.
Other names: c.66353C>G, p.Ser22118Cys (NM_133378.4); c.69134C>G, p.Ser23045Cys (NM_001256850.1); c.46862C>G, p.Ser15621Cys (NM_003319.4); c.47237C>G, p.Ser15746Cys (NM_133432.3); c.47438C>G, p.Ser15813Cys (NM_133437.4); short protein forms S22118C, S24686C, S15621C, S15746C, S15813C, S23045C.
Identifiers: ClinVar variation 179520 (VCV000179520.5), dbSNP rs727504921, ClinGen allele CA184582.